The following is an entry in ClinVar:

NM_000179.3(MSH6):c.2594T>C (p.Phe865Ser)

Gene: MSH6 (mutS homolog 6; plus strand). Cytogenetic location: 2p16.3.
Variant type: single nucleotide variant.
Coding change: c.2594T>C on transcript NM_000179.3 (MANE Select); coding-DNA position 2594, T replaced by C.
Protein change: p.Phe865Ser; replaces phenylalanine 865 with serine.
Molecular consequence: missense variant.
Genome position (GRCh38, 1-based): chr2:47,800,577, T>C. VCF-style: chr2-47800577-T-C. GRCh37 (hg19) VCF-style: chr2-48027716-T-C.
Other names: c.2204T>C, p.Phe735Ser (NM_001281492.2); c.1688T>C, p.Phe563Ser (NM_001281493.2, NM_001281494.2); short protein forms F563S, F735S, F865S.
Identifiers: ClinVar variation 844708 (VCV000844708.10), dbSNP rs1669485434, ClinGen allele CA346754880.
Genomic context (GRCh38, chr2:47,800,577, plus strand): 5'-ATGAAGAAACTACATACAGCAAGAAGAAGATTATTGATTTTCTTTCTGCTCTGGAAGGAT[T>C]CAAAGTAATGTGTAAAATTATAGGGATCATGGAAGAAGTTGCTGATGGTTTTAAGTCTAA-3'
Protein context (NP_000170.1, residues 855-875): IIDFLSALEG[Phe865Ser]KVMCKIIGIM

ClinVar aggregate classification (germline): Uncertain significance (1 of 4 stars; one submission).

Conditions:
Hereditary nonpolyposis colorectal neoplasms. Identifiers: MedGen C0009405, MeSH D003123.

Submission:

Labcorp Genetics (formerly Invitae), Labcorp
Classification: Uncertain significance for Hereditary nonpolyposis colorectal neoplasms. Last evaluated: 2019-03-06. Review status: criteria provided, single submitter. Criteria: Invitae Variant Classification Sherloc (09022015). Collection method: clinical testing. Allele origin: germline.
Comment: In summary, the available evidence is currently insufficient to determine the role of this variant in disease. Therefore, it has been classified as a Variant of Uncertain Significance. Algorithms developed to predict the effect of missense changes on protein structure and function (SIFT, PolyPhen-2, Align-GVGD) all suggest that this variant is likely to be disruptive, but these predictions have not been confirmed by published functional studies and their clinical significance is uncertain. This variant has not been reported in the literature in individuals with MSH6-related conditions. This variant is not present in population databases (ExAC no frequency). This sequence change replaces phenylalanine with serine at codon 865 of the MSH6 protein (p.Phe865Ser). The phenylalanine residue is highly conserved and there is a large physicochemical difference between phenylalanine and serine.